The following is an entry in ClinVar:

NM_001267550.2(TTN):c.35178del (p.Phe11726fs)

Gene: TTN (titin; minus strand). Cytogenetic location: 2q31.2.
Variant type: Deletion.
Coding change: c.35178del on transcript NM_001267550.2 (MANE Select); coding-DNA position 35178, one base deleted (T; older notation c.35178delT).
Protein change: p.Phe11726fs; shifts the reading frame from phenylalanine 11726.
Molecular consequence: frameshift variant. On other transcripts: intron variant (3).
Genome position (GRCh38, 1-based): chr2:178,672,020, A deleted on the plus strand (T on the coding strand, the reverse complement: TTN is on the minus strand); the first of 5 consecutive A bases (chr2:178,672,020-178,672,024); deleting any one gives the same sequence. VCF-style (leftmost placement, unchanged base first): chr2-178672019-CA-C. GRCh37 (hg19) VCF-style: chr2-179536746-CA-C.
Other names: c.35178delT (NM_001267550.2); c.34056del, p.Phe11352fs (NM_001256850.1); c.31275del, p.Phe10425fs (NM_133378.4); c.13283-29703del (NM_003319.4); c.13859-29703del (NM_133437.4); c.13658-29703del (NM_133432.3); short protein forms F10425fs, F11352fs, F11726fs.
Identifiers: ClinVar variation 4845791 (VCV004845791.1).

ClinVar aggregate classification (germline): Likely pathogenic (1 of 4 stars; one submission).

Conditions:
Early-onset myopathy with fatal cardiomyopathy (CMYO5). Also called: Salih Myopathy; CONGENITAL MYOPATHY 5 WITH CARDIOMYOPATHY. Identifiers: Orphanet 289377, MedGen C2673677, MONDO:0012714, OMIM 611705. Disease mechanism: loss of function.
Autosomal recessive limb-girdle muscular dystrophy type 2J (LGMDR10). Also called: Limb-girdle muscular dystrophy, type 2J; MUSCULAR DYSTROPHY, LIMB-GIRDLE, AUTOSOMAL RECESSIVE 10. Identifiers: Orphanet 140922, MedGen C1837342, MONDO:0012127, OMIM 608807.

Submission:

First Genomix Gene Laboratory, Genetic Diagnostics Department
Classification: Likely pathogenic for Early-onset myopathy with fatal cardiomyopathy; Autosomal recessive limb-girdle muscular dystrophy type 2J. Last evaluated: 2025-03-21. Review status: criteria provided, single submitter. Criteria: ACMG Guidelines, 2015. Collection method: clinical testing. Allele origin: germline. Inheritance: Autosomal recessive inheritance. Affected: no. Observed: 1 variant allele.